The following is an entry in ClinVar:

NM_000361.3(THBD):c.1331A>C (p.Glu444Ala)

Gene: THBD (thrombomodulin; minus strand). Cytogenetic location: 20p11.21.
Variant type: single nucleotide variant.
Coding change: c.1331A>C on transcript NM_000361.3 (MANE Select); coding-DNA position 1331, A replaced by C.
Protein change: p.Glu444Ala; replaces glutamic acid 444 with alanine.
Molecular consequence: missense variant.
Genome position (GRCh38, 1-based): chr20:23,048,174, T>G on the plus strand (A>C on the coding strand, the complement: THBD is on the minus strand). VCF-style: chr20-23048174-T-G. GRCh37 (hg19) VCF-style: chr20-23028811-T-G.
Other names: short protein forms E444A.
Identifiers: ClinVar variation 4280545 (VCV004280545.1).

ClinVar aggregate classification (germline): Uncertain significance (1 of 4 stars; one submission).

Conditions:
Thrombomodulin-related bleeding disorder (THPH12). Also called: Thrombophilia due to thrombomodulin defect. Identifiers: Orphanet 436169, MedGen C3280976, MONDO:0013775, OMIM 614486.

Submission:

Genomenon, Inc
Classification: Uncertain significance for Thrombomodulin-related bleeding disorder. Last evaluated: 2025-09-22. Review status: criteria provided, single submitter. Criteria: Genomenon Sequence Variant Interpretation Standards - Updated. Collection method: curation. Allele origin: germline. Affected: no.
Comment: THBD p.Glu444Ala (c.1331A>C) is a missense variant that changes the amino acid at residue 444 from Glutamic acid to Alanine. This variant has been reported in the published literature (PMID:8381415). It is absent or not present at a significant frequency in gnomAD. In silico models agree that this variant is possibly or probably damaging. In conclusion, we classify THBD p.Glu444Ala (c.1331A>C) as a variant of unknown significance.

Literature cited by the submitters: PubMed 8381415.